The following is an entry in ClinVar:

NM_001330260.2(SCN8A):c.1954_1959dup (p.Gly653_Gly654insIleGly)

Gene: SCN8A (sodium voltage-gated channel alpha subunit 8; plus strand). Cytogenetic location: 12q13.13.
Variant type: Duplication.
Coding change: c.1954_1959dup on transcript NM_001330260.2 (MANE Select); coding-DNA positions 1954 to 1959, 6 bases duplicated (ATCGGC; older notation c.1954_1959dupATCGGC).
Protein change: p.Gly653_Gly654insIleGly.
Molecular consequence: inframe insertion.
Genome position (GRCh38, 1-based): chr12:51,721,864-51,721,869, ATCGGC duplicated; duplicating any 6 consecutive bases within chr12:51,721,863-51,721,869 gives the same sequence; the c. name uses the placement nearest the transcript's 3' end. VCF-style (leftmost placement, unchanged base first): chr12-51721862-T-TCATCGG. GRCh37 (hg19) VCF-style: chr12-52115646-T-TCATCGG.
Other names: c.1954_1959dup, p.Gly653_Gly654insIleGly (NM_001177984.3, NM_001369788.1, NM_014191.4).
Identifiers: ClinVar variation 2992832 (VCV002992832.3), dbSNP rs2540204506, ClinGen allele CA2740092384.

ClinVar aggregate classification (germline): Uncertain significance (1 of 4 stars; one submission).

Conditions:
Early-infantile DEE. Also called: Early infantile epileptic encephalopathy with suppression bursts; Ohtahara syndrome; Early infantile epileptic encephalopathy. Identifiers: Orphanet 1934, MedGen C0393706, MONDO:0800491.

Submission:

Labcorp Genetics (formerly Invitae), Labcorp
Classification: Uncertain significance for Early-infantile DEE. Last evaluated: 2024-01-17. Review status: criteria provided, single submitter. Criteria: Invitae Variant Classification Sherloc (09022015). Collection method: clinical testing. Allele origin: germline.
Comment: This variant, c.1954_1959dup, results in the insertion of 2 amino acid(s) of the SCN8A protein (p.Ile652_Gly653dup), but otherwise preserves the integrity of the reading frame. This variant is not present in population databases (gnomAD no frequency). This variant has not been reported in the literature in individuals affected with SCN8A-related conditions. Experimental studies and prediction algorithms are not available or were not evaluated, and the functional significance of this variant is currently unknown. In summary, the available evidence is currently insufficient to determine the role of this variant in disease. Therefore, it has been classified as a Variant of Uncertain Significance.